The following is an entry in ClinVar:

NM_001323289.2(CDKL5):c.2152+5G>A

Gene: CDKL5 (cyclin dependent kinase like 5; plus strand). Cytogenetic location: Xp22.13.
Variant type: single nucleotide variant.
Coding change: c.2152+5G>A on transcript NM_001323289.2 (MANE Select); 5 bases into the intron after coding-DNA position 2152, G replaced by A.
Molecular consequence: intron variant.
Genome position (GRCh38, 1-based): chrX:18,609,575, G>A. VCF-style: chrX-18609575-G-A. GRCh37 (hg19) VCF-style: chrX-18627695-G-A.
Other names: c.2152+5G>A (NM_003159.3, NM_001037343.2).
Identifiers: ClinVar variation 1212994 (VCV001212994.4), dbSNP rs1926476615, ClinGen allele CA2499226524.

ClinVar aggregate classification (germline): Likely pathogenic. Review status: criteria provided, multiple submitters, no conflicts (2 of 4 stars). 2 submissions from 2 submitters: Likely pathogenic (2). Last evaluated 2020-10-02.

Conditions:
CDKL5-related disorder.

Submissions (2):

Blueprint Genetics
Classification: Likely pathogenic for CDKL5-related disorders. Last evaluated: 2020-10-02. Review status: criteria provided, single submitter. Criteria: ACMG Guidelines, 2015. Collection method: clinical testing. Allele origin: germline. Affected: yes. Observed: 1 variant allele.

GeneDx
Classification: Likely pathogenic. Last evaluated: 2019-07-17. Review status: criteria provided, single submitter. Criteria: GeneDx Variant Classification Process June 2021. Collection method: clinical testing. Allele origin: germline. Affected: yes.
Comment: Not observed in large population cohorts (Lek et al., 2016); In-silico analysis, which includes splice predictors and evolutionary conservation, is inconclusive as to whether the variant alters gene splicing. In the absence of RNA/functional studies, the actual effect of this sequence change is unknown; Has not been previously published as pathogenic or benign to our knowledge